The following is an entry in ClinVar:

ClinVar aggregate classification (germline): Conflicting classifications of pathogenicity. Review status: criteria provided, conflicting classifications (1 of 4 stars). 5 submissions from 5 submitters: Uncertain significance (1); Benign (1); Likely benign (1). 2 of the submissions do not count toward it. Last evaluated 2026-02-01.

Conditions:
ABCC6-related disorder. Also called: ABCC6-related condition.

Allele frequency attached by ClinVar (database versions not stated): gnomAD exomes 0.00015 and 0.00050; ExAC 0.00069; gnomAD 0.00175 and 0.00186; 1000 Genomes Project 0.00180; 1000 Genomes Project 30x 0.00187; ESP Exome Variant Server 0.00208; TOPMed 0.00212.
gnomAD v4.1: 489 of 1,613,334 alleles (0.03%); highest among the groups gnomAD compares: African/African-American, 0.61%; 1 homozygote.

Submissions (5):

Labcorp Genetics (formerly Invitae), Labcorp
Classification: Benign. Last evaluated: 2026-02-01. Review status: criteria provided, single submitter. Criteria: Invitae Variant Classification Sherloc (09022015). Collection method: clinical testing. Allele origin: germline.

GeneDx
Classification: Uncertain significance. Last evaluated: 2025-06-22. Review status: criteria provided, single submitter. Criteria: GeneDx Variant Classification Process June 2021. Collection method: clinical testing. Allele origin: germline. Affected: yes.
Comment: Observed in individuals with ischemic stroke; however, also seen in several unaffected controls (PMID: 36973604); In silico analysis suggests that this missense variant does not alter protein structure/function; This variant is associated with the following publications: (PMID: 27984508, 36973604)

Blueprint Genetics
Classification: Likely benign. Last evaluated: 2023-11-28. Review status: criteria provided, single submitter. Criteria: ACMG Guidelines, 2015. Collection method: clinical testing. Allele origin: germline.

PreventionGenetics, part of Exact Sciences
Classification: Benign for ABCC6-related condition. Last evaluated: 2022-07-11. Review status: no assertion criteria provided. Collection method: clinical testing. Allele origin: germline. Not counted in ClinVar's aggregate classification.
Comment: This variant is classified as benign based on ACMG/AMP sequence variant interpretation guidelines (Richards et al. 2015 PMID: 25741868, with internal and published modifications).

Department of Pathology and Laboratory Medicine, Sinai Health System
Classification: Uncertain significance. Review status: no assertion criteria provided. Collection method: clinical testing. Allele origin: unknown. Affected: yes. Study: The Canadian Open Genetics Repository (COGR). Not counted in ClinVar's aggregate classification.
Comment: The ABCC6 p.Gln908Glu variant was not identified in the literature nor was it identified in ClinVar, Cosmic or LOVD 3.0. The variant was identified in dbSNP (ID: rs57179857) and in control databases in 193 of 281936 chromosomes at a frequency of 0.000685 increasing the likelihood this could be a low frequency benign variant (Genome Aggregation Database Feb 27, 2017). The variant was observed in the following populations: African in 187 of 24922 chromosomes (freq: 0.007503), Latino in 3 of 35426 chromosomes (freq: 0.000085), South Asian in 1 of 30612 chromosomes (freq: 0.000033) and European (non-Finnish) in 2 of 128388 chromosomes (freq: 0.000016); it was not observed in the Ashkenazi Jewish, East Asian, European (Finnish) or Other populations. The p.Gln908 residue is not conserved in mammals and computational analyses (SIFT, AlignGVGD, BLOSUM, MutationTaster) do not suggest a high likelihood of impact to the protein; however, this information is not predictive enough to rule out pathogenicity. The variant occurs outside of the splicing consensus sequence and 2 of 4 in silico or computational prediction software programs (SpliceSiteFinder, MaxEntScan) predict a greater than 10% difference in splicing; this is not very predictive of pathogenicity. In summary, based on the above information the clinical significance of this variant cannot be determined with certainty at this time. This variant is classified as a variant of uncertain significance.

NM_001171.6(ABCC6):c.3064C>G (p.Gln1022Glu)

Gene: ABCC6 (ATP binding cassette subfamily C member 6; minus strand). Cytogenetic location: 16p13.11.
Variant type: single nucleotide variant.
Coding change: c.3064C>G on transcript NM_001171.6 (MANE Select); coding-DNA position 3064, C replaced by G.
Protein change: p.Gln1022Glu; replaces glutamine 1022 with glutamic acid.
Molecular consequence: missense variant. On other transcripts: non-coding transcript variant (1).
Genome position (GRCh38, 1-based): chr16:16,165,865, G>C on the plus strand (C>G on the coding strand, the complement: ABCC6 is on the minus strand). VCF-style: chr16-16165865-G-C. GRCh37 (hg19) VCF-style: chr16-16259722-G-C.
Other names: c.2722C>G, p.Gln908Glu (NM_001351800.1); short protein forms Q1022E, Q908E.
Identifiers: ClinVar variation 773055 (VCV000773055.16), dbSNP rs57179857, ClinGen allele CA7925694.
Genomic context (GRCh38, chr16:16,165,865, plus strand): 5'-CAATGGGTGTCCGCTCAAAGAAGCTGATGGGAGATCGCACCACATCCCACAGGAGCCTCT[G>C]GAAGAGCAACCTGGATGCCCGGGCCCCACCTAGGAGCACCGCAGCCATGGAGGCAAACAG-3'
Protein context (NP_001162.5, residues 1012-1032): GGARASRLLF[Gln1022Glu]RLLWDVVRSP